The following is an entry in ClinVar:

NM_012463.4(ATP6V0A2):c.2186G>A (p.Gly729Glu)

Gene: ATP6V0A2 (ATPase H+ transporting V0 subunit a2; plus strand). Cytogenetic location: 12q24.31.
Variant type: single nucleotide variant.
Coding change: c.2186G>A on transcript NM_012463.4 (MANE Select); coding-DNA position 2186, G replaced by A.
Protein change: p.Gly729Glu; replaces glycine 729 with glutamic acid.
Molecular consequence: missense variant.
Genome position (GRCh38, 1-based): chr12:123,754,430, G>A. VCF-style: chr12-123754430-G-A. GRCh37 (hg19) VCF-style: chr12-124238977-G-A.
Other names: NC_000012.11:g.124238977G>A; short protein forms G729E.
Identifiers: ClinVar variation 1200793 (VCV001200793.6), dbSNP rs751698448, ClinGen allele CA6862172.

ClinVar aggregate classification (germline): Uncertain significance. Review status: criteria provided, multiple submitters, no conflicts (2 of 4 stars). 2 submissions from 2 submitters: Uncertain significance (2). Last evaluated 2025-05-05.

Conditions:
Inborn genetic diseases. Identifiers: MedGen C0950123, MeSH D030342.

Allele frequency attached by ClinVar (database versions not stated): gnomAD exomes 0.00001 and 0.00002; ExAC 0.00002; gnomAD 0.00001; TOPMed 0.00002.
gnomAD v4.1: 25 of 1,610,786 alleles (0.0016%); highest among the groups gnomAD compares: Non-Finnish European, 0.0021%; no homozygotes.

Submissions (3):

Ambry Genetics
Classification: Uncertain significance for Inborn genetic diseases. Last evaluated: 2025-05-05. Review status: criteria provided, single submitter. Criteria: Ambry Variant Classification Scheme 2023. Collection method: clinical testing. Allele origin: germline.

GeneDx
Classification: Uncertain significance. Last evaluated: 2023-06-03. Review status: criteria provided, single submitter. Criteria: GeneDx Variant Classification Process June 2021. Collection method: clinical testing. Allele origin: germline. Affected: yes.
Comment: Not observed at significant frequency in large population cohorts (gnomAD); In silico analysis supports that this missense variant has a deleterious effect on protein structure/function; Has not been previously published as pathogenic or benign to our knowledge

Dr. Peter K. Rogan Lab, Western University
No classification provided (evidence only). Condition: Ovarian serous cystadenocarcinoma. Review status: no classification provided. Collection method: in vitro. Allele origin: not applicable. Functional consequence: retained intron. Not counted in ClinVar's aggregate classification.